The following is an entry in ClinVar:

ClinVar aggregate classification (germline): Uncertain significance (1 of 4 stars; one submission).

Conditions:
Hereditary cancer-predisposing syndrome. Also called: Neoplastic Syndromes, Hereditary; Tumor predisposition; Hereditary Cancer Syndrome; Hereditary neoplastic syndrome. Identifiers: Orphanet 140162, MedGen C0027672, MeSH D009386, MONDO:0015356.

Submission:

Ambry Genetics
Classification: Uncertain significance for Hereditary cancer-predisposing syndrome. Last evaluated: 2025-10-23. Review status: criteria provided, single submitter. Criteria: Ambry Variant Classification Scheme 2023. Collection method: clinical testing. Allele origin: germline.
Comment: The p.I108L variant (also known as c.322A>T), located in coding exon 2 of the PTCH1 gene, results from an A to T substitution at nucleotide position 322. The isoleucine at codon 108 is replaced by leucine, an amino acid with highly similar properties. This amino acid position is conserved. In addition, the in silico prediction for this alteration is inconclusive. Based on the available evidence, the clinical significance of this variant remains unclear.

NM_000264.5(PTCH1):c.322A>T (p.Ile108Leu)

Gene: PTCH1 (patched 1; minus strand). Cytogenetic location: 9q22.32.
Variant type: single nucleotide variant.
Coding change: c.322A>T on transcript NM_000264.5 (MANE Select); coding-DNA position 322, A replaced by T.
Protein change: p.Ile108Leu; replaces isoleucine 108 with leucine.
Molecular consequence: missense variant. On other transcripts: 5 prime UTR variant (4), non-coding transcript variant (1).
Genome position (GRCh38, 1-based): chr9:95,506,479, T>A on the plus strand (A>T on the coding strand, the complement: PTCH1 is on the minus strand). VCF-style: chr9-95506479-T-A. GRCh37 (hg19) VCF-style: chr9-98268761-T-A.
Other names: c.124A>T, p.Ile42Leu (NM_001083602.3, NM_001354919.2); c.319A>T, p.Ile107Leu (NM_001083603.3); c.-132A>T (NM_001083604.3, NM_001083605.3, NM_001083606.3 and 1 more transcripts); c.322A>T, p.Ile108Leu (NM_001354918.2); short protein forms I107L, I42L, I108L.
Identifiers: ClinVar variation 4675747 (VCV004675747.1).
Genomic context (GRCh38, chr9:95,506,479, plus strand): 5'-GCTCCTCCACGTTGGTCTCGAGGTTCGCTGCTTTTAATCCCACCGCGAAGGCCCCAAATA[T>A]GAGGAGGCCCACAACCAAGAACTTGCCGCAGTTTTTTTGAATGTAACAACCCAGTTTAAA-3'
Protein context (NP_000255.2, residues 98-118): CGKFLVVGLL[Ile108Leu]FGAFAVGLKA